The following is an entry in ClinVar:

NM_032608.7(MYO18B):c.6673T>A (p.Ser2225Thr)

Gene: MYO18B (myosin XVIIIB; plus strand). Cytogenetic location: 22q12.1.
Variant type: single nucleotide variant.
Coding change: c.6673T>A on transcript NM_032608.7 (MANE Select); coding-DNA position 6673, T replaced by A.
Protein change: p.Ser2225Thr; replaces serine 2225 with threonine.
Molecular consequence: missense variant.
Genome position (GRCh38, 1-based): chr22:26,026,647, T>A. VCF-style: chr22-26026647-T-A. GRCh37 (hg19) VCF-style: chr22-26422613-T-A.
Other names: c.6676T>A, p.Ser2226Thr (NM_001318245.2); short protein forms S2226T, S2225T.
Identifiers: ClinVar variation 1972296 (VCV001972296.5), dbSNP rs542713380, ClinGen allele CA411010614.

ClinVar aggregate classification (germline): Uncertain significance (1 of 4 stars; one submission).

gnomAD v4.1: 1 of 1,613,512 alleles (0.000062%); highest among the groups gnomAD compares: Middle Eastern, 0.016%; no homozygotes.

Submission:

Labcorp Genetics (formerly Invitae), Labcorp
Classification: Uncertain significance. Last evaluated: 2022-06-14. Review status: criteria provided, single submitter. Criteria: Invitae Variant Classification Sherloc (09022015). Collection method: clinical testing. Allele origin: germline.
Comment: Algorithms developed to predict the effect of missense changes on protein structure and function are either unavailable or do not agree on the potential impact of this missense change (SIFT: "Not Available"; PolyPhen-2: "Benign"; Align-GVGD: "Not Available"). In summary, the available evidence is currently insufficient to determine the role of this variant in disease. Therefore, it has been classified as a Variant of Uncertain Significance. This variant has not been reported in the literature in individuals affected with MYO18B-related conditions. This variant is present in population databases (no rsID available, gnomAD no frequency). This sequence change replaces serine, which is neutral and polar, with threonine, which is neutral and polar, at codon 2225 of the MYO18B protein (p.Ser2225Thr).